The following is an entry in ClinVar:

ClinVar aggregate classification (germline): Likely benign (1 of 4 stars; one submission).

Conditions:
Tourette syndrome (GTS). Also called: GILLES DE LA TOURETTE SYNDROME. Identifiers: MedGen C0040517, MONDO:0007661, OMIM 137580.

Allele frequency attached by ClinVar (database versions not stated): gnomAD exomes 0.00047; gnomAD 0.01049 and 0.01128; TOPMed 0.01249; 1000 Genomes Project 0.01338; 1000 Genomes Project 30x 0.01483.
gnomAD v4.1: 1,715 of 429,496 alleles (0.4%); highest among the groups gnomAD compares: African/African-American, 3.2%; 26 homozygotes.

Submission:

Illumina Laboratory Services, Illumina
Classification: Likely benign for Tourette syndrome. Last evaluated: 2018-01-12. Review status: criteria provided, single submitter. Criteria: ICSL Variant Classification Criteria 13 December 2019. Collection method: clinical testing. Allele origin: germline.
Comment: This variant was observed in the ICSL laboratory as part of a predisposition screen in an ostensibly healthy population. It had not been previously curated by ICSL or reported in the Human Gene Mutation Database (HGMD: prior to June 1st, 2018), and was therefore a candidate for classification through an automated scoring system. Utilizing variant allele frequency, disease prevalence and penetrance estimates, and inheritance mode, an automated score was calculated to assess if this variant is too frequent to cause the disease. Based on the score and internal cut-off values, a variant classified as likely benign is not then subjected to further curation. The score for this variant resulted in a classification of likely benign for this disease.

NM_001281503.2(SLITRK1):c.-53-217T>C

Gene: SLITRK1 (SLIT and NTRK like family member 1; minus strand). Cytogenetic location: 13q31.1.
Variant type: single nucleotide variant.
Coding change: c.-53-217T>C on transcript NM_001281503.2 (MANE Select); 217 bases into the intron before 53 bases upstream of the start codon, T replaced by C.
Molecular consequence: intron variant. On other transcripts: 5 prime UTR variant (1).
Genome position (GRCh38, 1-based): chr13:83,881,777, A>G on the plus strand (T>C on the coding strand, the complement: SLITRK1 is on the minus strand). VCF-style: chr13-83881777-A-G. GRCh37 (hg19) VCF-style: chr13-84455912-A-G.
Other names: c.-270T>C (NM_052910.2).
Identifiers: ClinVar variation 883421 (VCV000883421.4), dbSNP rs74099450, ClinGen allele CA253153830.